The following is an entry in ClinVar:

NM_001854.4(COL11A1):c.651+6A>C

Gene: COL11A1 (collagen type XI alpha 1 chain; minus strand). Cytogenetic location: 1p21.1.
Variant type: single nucleotide variant.
Coding change: c.651+6A>C on transcript NM_001854.4 (MANE Select); 6 bases into the intron after coding-DNA position 651, A replaced by C.
Molecular consequence: intron variant.
Genome position (GRCh38, 1-based): chr1:103,074,612, T>G on the plus strand (A>C on the coding strand, the complement: COL11A1 is on the minus strand). VCF-style: chr1-103074612-T-G. GRCh37 (hg19) VCF-style: chr1-103540168-T-G.
Other names: c.651+6A>C (NM_001190709.2, NM_080629.3, NM_080630.4).
Identifiers: ClinVar variation 4738923 (VCV004738923.1).

ClinVar aggregate classification (germline): Uncertain significance (1 of 4 stars; one submission).

gnomAD v4.1: 1 of 1,612,750 alleles (0.000062%); highest among the groups gnomAD compares: Non-Finnish European, 0.000085%; no homozygotes.

Submission:

Labcorp Genetics (formerly Invitae), Labcorp
Classification: Uncertain significance. Last evaluated: 2025-08-31. Review status: criteria provided, single submitter. Criteria: Invitae Variant Classification Sherloc (09022015). Collection method: clinical testing. Allele origin: germline.
Comment: This sequence change falls in intron 4 of the COL11A1 gene. It does not directly change the encoded amino acid sequence of the COL11A1 protein. It affects a nucleotide within the consensus splice site. This variant is not present in population databases (gnomAD no frequency). This variant has not been reported in the literature in individuals affected with COL11A1-related conditions. Variants that disrupt the consensus splice site are a relatively common cause of aberrant splicing (PMID: 17576681, 9536098). Algorithms developed to predict the effect of sequence changes on RNA splicing suggest that this variant is not likely to affect RNA splicing. In summary, the available evidence is currently insufficient to determine the role of this variant in disease. Therefore, it has been classified as a Variant of Uncertain Significance.

Literature cited by the submitters: PubMed 17576681; PubMed 9536098.